The following is an entry in ClinVar:

NM_181078.3(IL21R):c.107T>A (p.Ile36Asn)

Gene: IL21R (interleukin 21 receptor; plus strand). Cytogenetic location: 16p12.1.
Variant type: single nucleotide variant.
Coding change: c.107T>A on transcript NM_181078.3 (MANE Select); coding-DNA position 107, T replaced by A.
Protein change: p.Ile36Asn; replaces isoleucine 36 with asparagine.
Molecular consequence: missense variant.
Genome position (GRCh38, 1-based): chr16:27,434,404, T>A. VCF-style: chr16-27434404-T-A. GRCh37 (hg19) VCF-style: chr16-27445725-T-A.
Other names: c.107T>A, p.Ile36Asn (NM_021798.4); c.173T>A, p.Ile58Asn (NM_181079.5); c.173T>A (NM_181079.4); short protein forms I36N, I58N.
Identifiers: ClinVar variation 1316094 (VCV001316094.3), dbSNP rs1359524726, ClinGen allele CA395298559.
Genomic context (GRCh38, chr16:27,434,404, plus strand): 5'-CAGGCTGGGGCTGCCCCGACCTCGTCTGCTACACCGATTACCTCCAGACGGTCATCTGCA[T>A]CCTGGAAATGTGGAACCTCCACCCCAGCACGCTCACCCTTACCTGGTAAGTAGCCGGGCC-3'
Protein context (NP_851564.1, residues 26-46): YTDYLQTVIC[Ile36Asn]LEMWNLHPST

ClinVar aggregate classification (germline): Uncertain significance. Review status: criteria provided, multiple submitters, no conflicts (2 of 4 stars). 2 submissions from 2 submitters: Uncertain significance (2). Last evaluated 2024-08-28.

Conditions:
Inborn genetic diseases. Identifiers: MedGen C0950123, MeSH D030342.

gnomAD v4.1: 1 of 1,614,048 alleles (0.000062%); highest among the groups gnomAD compares: Non-Finnish European, 0.000085%; no homozygotes.

Submissions (2):

Ambry Genetics
Classification: Uncertain significance for Inborn genetic diseases. Last evaluated: 2024-08-28. Review status: criteria provided, single submitter. Criteria: Ambry Variant Classification Scheme 2023. Collection method: clinical testing. Allele origin: germline.

GeneDx
Classification: Uncertain significance. Last evaluated: 2020-03-06. Review status: criteria provided, single submitter. Criteria: GeneDx Variant Classification Process June 2021. Collection method: clinical testing. Allele origin: germline. Affected: yes.
Comment: Not observed in large population cohorts (Lek et al., 2016); In silico analysis supports that this missense variant does not alter protein structure/function; Has not been previously published as pathogenic or benign to our knowledge